The following is an entry in ClinVar:

NM_000258.3(MYL3):c.99G>A (p.Lys33=)

Gene: MYL3 (myosin light chain 3; minus strand). Cytogenetic location: 3p21.31.
Variant type: single nucleotide variant.
Coding change: c.99G>A on transcript NM_000258.3 (MANE Select); coding-DNA position 99, G replaced by A.
Protein change: p.Lys33=; no amino-acid change (lysine 33 retained).
Molecular consequence: synonymous variant.
Genome position (GRCh38, 1-based): chr3:46,863,292, C>T on the plus strand (G>A on the coding strand, the complement: MYL3 is on the minus strand). VCF-style: chr3-46863292-C-T. GRCh37 (hg19) VCF-style: chr3-46904782-C-T.
Other names: c.99G>A, p.Lys33= (NM_001406937.1, NM_001406938.1, NM_001406939.1).
Identifiers: ClinVar variation 3005557 (VCV003005557.6), dbSNP rs774688582, ClinGen allele CA045269.
Genomic context (GRCh38, chr3:46,863,292, plus strand): 5'-CTATTGCCACCACCCAGCTTCCATACCCACCTTGATCTTGGAAGCATCAAACTCGACCTC[C>T]TTAGGGCGCTCAGGCTCAGGGGGAGGTGCGGGAGCTGGAGCTGCCTTGGGGGCTGCCTTG-3'
Protein context (NP_000249.1, residues 23-43): PAPPPEPERP[Lys33=]EVEFDASKIK

ClinVar aggregate classification (germline): Likely benign. Review status: criteria provided, multiple submitters, no conflicts (2 of 4 stars). 4 submissions from 4 submitters: Likely benign (4). Last evaluated 2024-09-23.

Conditions:
Cardiovascular phenotype. Identifiers: MedGen CN230736.
Hypertrophic cardiomyopathy. Also called: HYPERTROPHIC MYOCARDIOPATHY. Identifiers: Orphanet 217569, MedGen C0007194, MeSH D002312, MONDO:0005045, HP:0001639.
Cardiomyopathy (CMYO). Also called: Cardiomyopathies. Identifiers: Orphanet 167848, MedGen C0878544, MONDO:0004994, HP:0001638. Inheritance: Various modes of inheritance.

Allele frequency attached by ClinVar (database versions not stated): gnomAD exomes below 0.00001; ExAC 0.00001; gnomAD 0.00003; TOPMed 0.00003.
gnomAD v4.1: 6 of 1,614,058 alleles (0.00037%); highest among the groups gnomAD compares: African/African-American, 0.0067%; no homozygotes.

Submissions (4):

All of Us Research Program, National Institutes of Health
Classification: Likely benign for Hypertrophic cardiomyopathy. Last evaluated: 2024-09-23. Review status: criteria provided, single submitter. Criteria: ACMG Guidelines, 2015. Collection method: clinical testing. Allele origin: germline. Inheritance: Autosomal dominant inheritance. Observed: 1 variant allele, 1 heterozygote.
Comment: This study involves interpretation of variants in research participants for the purpose of population health screening. Participant phenotype was not available at the time of variant classification. Additional details can be found in publication PMID: 35346344, PMCID: PMC8962531

Ambry Genetics
Classification: Likely benign for Cardiovascular phenotype. Last evaluated: 2024-06-06. Review status: criteria provided, single submitter. Criteria: Ambry Variant Classification Scheme 2023. Collection method: clinical testing. Allele origin: germline.

Labcorp Genetics (formerly Invitae), Labcorp
Classification: Likely benign for Hypertrophic cardiomyopathy. Last evaluated: 2023-09-22. Review status: criteria provided, single submitter. Criteria: Invitae Variant Classification Sherloc (09022015). Collection method: clinical testing. Allele origin: germline.

Color Diagnostics, LLC DBA Color Health
Classification: Likely benign for Cardiomyopathy. Last evaluated: 2022-05-27. Review status: criteria provided, single submitter. Criteria: ACMG Guidelines, 2015. Collection method: clinical testing. Allele origin: germline.